The following is an entry in ClinVar:

ClinVar aggregate classification (germline): Uncertain significance (1 of 4 stars; one submission).

Submission:

GeneDx
Classification: Uncertain significance. Last evaluated: 2024-05-01. Review status: criteria provided, single submitter. Criteria: GeneDx Variant Classification Process June 2021. Collection method: clinical testing. Allele origin: germline. Affected: yes.
Comment: In silico analysis indicates that this missense variant does not alter protein structure/function; Has not been previously published as pathogenic or benign to our knowledge

NM_012310.5(KIF4A):c.3667G>A (p.Gly1223Ser)

Gene: KIF4A (kinesin family member 4A; plus strand). Cytogenetic location: Xq13.1.
Variant type: single nucleotide variant.
Coding change: c.3667G>A on transcript NM_012310.5 (MANE Select); coding-DNA position 3667, G replaced by A.
Protein change: p.Gly1223Ser; replaces glycine 1223 with serine.
Molecular consequence: missense variant.
Genome position (GRCh38, 1-based): chrX:70,420,233, G>A. VCF-style: chrX-70420233-G-A. GRCh37 (hg19) VCF-style: chrX-69640083-G-A.
Other names: short protein forms G1223S.
Identifiers: ClinVar variation 3373170 (VCV003373170.1).
Genomic context (GRCh38, chrX:70,420,233, plus strand): 5'-AACAAGGCTCCAGGGAAGAAAAAGAAACGGGCTCTGGCCAGCAACACCAGCTTCTTCTCT[G>A]GCTGCTCCCCTATCGAAGAAGAGGCCCACTGAAGTTGGAGTCATCATCTCTACCCCCAGT-3'
Protein context (NP_036442.3, residues 1213-1232): ALASNTSFFS[Gly1223Ser]CSPIEEEAH